The following is an entry in ClinVar:

ClinVar aggregate classification (germline): Uncertain significance (1 of 4 stars; one submission).

Conditions:
Dilated cardiomyopathy 2B. Identifiers: Orphanet 154, MedGen C3553409, MONDO:0013848, OMIM 614672.

Submission:

Labcorp Genetics (formerly Invitae), Labcorp
Classification: Uncertain significance for Dilated cardiomyopathy 2B. Last evaluated: 2024-07-16. Review status: criteria provided, single submitter. Criteria: Invitae Variant Classification Sherloc (09022015). Collection method: clinical testing. Allele origin: germline.
Comment: This sequence change replaces lysine, which is basic and polar, with glutamic acid, which is acidic and polar, at codon 13 of the GATAD1 protein (p.Lys13Glu). This variant is not present in population databases (gnomAD no frequency). This variant has not been reported in the literature in individuals affected with GATAD1-related conditions. Advanced modeling of protein sequence and biophysical properties (such as structural, functional, and spatial information, amino acid conservation, physicochemical variation, residue mobility, and thermodynamic stability) performed at Invitae indicates that this missense variant is not expected to disrupt GATAD1 protein function with a negative predictive value of 80%. In summary, the available evidence is currently insufficient to determine the role of this variant in disease. Therefore, it has been classified as a Variant of Uncertain Significance.

NM_021167.5(GATAD1):c.37A>G (p.Lys13Glu)

Genes: GATAD1 (GATA zinc finger domain containing 1; plus strand), LOC129998793 (ATAC-STARR-seq lymphoblastoid silent region 18371; plus strand). Cytogenetic location: 7q21.2.
Variant type: single nucleotide variant.
Coding change: c.37A>G on transcript NM_021167.5 (MANE Select); coding-DNA position 37, A replaced by G.
Protein change: p.Lys13Glu; replaces lysine 13 with glutamic acid.
Molecular consequence: missense variant. On other transcripts: non-coding transcript variant (1).
Genome position (GRCh38, 1-based): chr7:92,447,766, A>G. VCF-style: chr7-92447766-A-G. GRCh37 (hg19) VCF-style: chr7-92077080-A-G.
Other names: short protein forms K13E.
Identifiers: ClinVar variation 3605992 (VCV003605992.2).
Genomic context (GRCh38, chr7:92,447,766, plus strand): 5'-CGGGGGCCGCCCGAGCCGGCCACCATGCCGCTGGGCCTGAAGCCCACCTGCAGCGTATGC[A>G]AGACCACGTCGTCCTCCATGTGGAAGAAGGGAGCGCAGGGGGAGATCCTCTGCCATCATT-3'
Protein context (NP_066990.3, residues 3-23): LGLKPTCSVC[Lys13Glu]TTSSSMWKKG